The following is an entry in ClinVar:

NM_000255.4(MMUT):c.1415C>G (p.Ala472Gly)

Gene: MMUT (methylmalonyl-CoA mutase; minus strand). Cytogenetic location: 6p12.3.
Variant type: single nucleotide variant.
Coding change: c.1415C>G on transcript NM_000255.4 (MANE Select); coding-DNA position 1415, C replaced by G.
Protein change: p.Ala472Gly; replaces alanine 472 with glycine.
Molecular consequence: missense variant.
Genome position (GRCh38, 1-based): chr6:49,448,845, G>C on the plus strand (C>G on the coding strand, the complement: MMUT is on the minus strand). VCF-style: chr6-49448845-G-C. GRCh37 (hg19) VCF-style: chr6-49416558-G-C.
Other names: short protein forms A472G.
Identifiers: ClinVar variation 1001933 (VCV001001933.8), dbSNP rs747589392, ClinGen allele CA364397956.
Genomic context (GRCh38, chr6:49,448,845, plus strand): 5'-ATTTCATATATGAACTTTCTCACTATCTTACCAGAATCTATTCTAGCTTGTCTTCGGGCA[G>C]CACATTCTTCAATTCGAAGTTTAGGTATTCCCTCAGCTACAGCTTTGGCCATTCCACCCA-3'
Protein context (NP_000246.2, residues 462-482): GIPKLRIEEC[Ala472Gly]ARRQARIDSG

ClinVar aggregate classification (germline): Likely pathogenic (1 of 4 stars; one submission).

gnomAD v4.1: 1 of 1,613,252 alleles (0.000062%); highest among the groups gnomAD compares: South Asian, 0.0011%; no homozygotes.

Submission:

Labcorp Genetics (formerly Invitae), Labcorp
Classification: Likely pathogenic. Last evaluated: 2026-01-05. Review status: criteria provided, single submitter. Criteria: Invitae Variant Classification Sherloc (09022015). Collection method: clinical testing. Allele origin: germline.
Comment: This sequence change replaces alanine, which is neutral and non-polar, with glycine, which is neutral and non-polar, at codon 472 of the MUT protein (p.Ala472Gly). This variant is present in population databases (no rsID available, gnomAD 0.003%). This variant has not been reported in the literature in individuals affected with MUT-related conditions. ClinVar contains an entry for this variant (Variation ID: 1001933). Invitae Evidence Modeling of protein sequence and biophysical properties (such as structural, functional, and spatial information, amino acid conservation, physicochemical variation, residue mobility, and thermodynamic stability) indicates that this missense variant is expected to disrupt MUT protein function with a positive predictive value of 95%. This variant disrupts the p.Ala472 amino acid residue in MUT. Other variant(s) that disrupt this residue have been determined to be pathogenic (internal data). This suggests that this residue is clinically significant, and that variants that disrupt this residue are likely to be disease-causing. In summary, the currently available evidence indicates that the variant is pathogenic, but additional data are needed to prove that conclusively. Therefore, this variant has been classified as Likely Pathogenic.